The following is an entry in ClinVar:

ClinVar aggregate classification (germline): Conflicting classifications of pathogenicity. Review status: criteria provided, conflicting classifications (1 of 4 stars). 3 submissions from 3 submitters: Uncertain significance (2); Likely benign (1). Last evaluated 2025-07-31.

Conditions:
Hereditary breast ovarian cancer syndrome. Also called: Hereditary breast and ovarian cancer syndrome (HBOC); Hereditary breast and ovarian cancer; BRCA1- and BRCA2-Associated Hereditary Breast and Ovarian Cancer; Hereditary breast and ovarian cancer syndrome; Breast and ovarian cancer; Hereditary breast and/or ovarian cancer syndrome. Identifiers: Orphanet 145, MedGen C0677776, MeSH D061325, MONDO:0003582. Disease mechanism: loss of function.
Hereditary cancer-predisposing syndrome. Also called: Neoplastic Syndromes, Hereditary; Tumor predisposition; Hereditary Cancer Syndrome; Hereditary neoplastic syndrome. Identifiers: Orphanet 140162, MedGen C0027672, MeSH D009386, MONDO:0015356.

Allele frequency attached by ClinVar (database versions not stated): gnomAD exomes below 0.00001.
gnomAD v4.1: 1 of 1,613,596 alleles (0.000062%); highest among the groups gnomAD compares: Non-Finnish European, 0.000085%; no homozygotes.

Submissions (3):

Labcorp Genetics (formerly Invitae), Labcorp
Classification: Uncertain significance for Hereditary breast ovarian cancer syndrome. Last evaluated: 2025-07-31. Review status: criteria provided, single submitter. Criteria: Invitae Variant Classification Sherloc (09022015). Collection method: clinical testing. Allele origin: germline.
Comment: This sequence change replaces glutamic acid, which is acidic and polar, with glutamine, which is neutral and polar, at codon 2224 of the BRCA2 protein (p.Glu2224Gln). This variant is not present in population databases (gnomAD no frequency). This variant has not been reported in the literature in individuals affected with BRCA2-related conditions. ClinVar contains an entry for this variant (Variation ID: 1754803). Invitae Evidence Modeling of protein sequence and biophysical properties (such as structural, functional, and spatial information, amino acid conservation, physicochemical variation, residue mobility, and thermodynamic stability) indicates that this missense variant is not expected to disrupt BRCA2 protein function with a negative predictive value of 95%. In summary, the available evidence is currently insufficient to determine the role of this variant in disease. Therefore, it has been classified as a Variant of Uncertain Significance.

University of Washington Department of Laboratory Medicine, University of Washington
Classification: Likely benign for Hereditary cancer-predisposing syndrome. Last evaluated: 2023-03-23. Review status: criteria provided, single submitter. Criteria: Dines et al. (Genet Med. 2020). Collection method: curation. Allele origin: germline.
Comment: Missense variant in a coldspot region where missense variants are very unlikely to be pathogenic (PMID:31911673).

BRCA2 exon 11 coldspot. Reclassification based on statistical prior probability.

Ambry Genetics
Classification: Uncertain significance for Hereditary cancer-predisposing syndrome. Last evaluated: 2022-01-21. Review status: criteria provided, single submitter. Criteria: Ambry Variant Classification Scheme 2023. Collection method: clinical testing. Allele origin: germline.
Comment: The p.E2224Q variant (also known as c.6670G>C), located in coding exon 10 of the BRCA2 gene, results from a G to C substitution at nucleotide position 6670. The glutamic acid at codon 2224 is replaced by glutamine, an amino acid with highly similar properties. This amino acid position is conserved. In addition, the in silico prediction for this alteration is inconclusive. Since supporting evidence is limited at this time, the clinical significance of this alteration remains unclear.

NM_000059.4(BRCA2):c.6670G>C (p.Glu2224Gln)

Gene: BRCA2 (BRCA2 DNA repair associated; plus strand). Cytogenetic location: 13q13.1.
Variant type: single nucleotide variant.
Coding change: c.6670G>C on transcript NM_000059.4 (MANE Select); coding-DNA position 6670, G replaced by C.
Protein change: p.Glu2224Gln; replaces glutamic acid 2224 with glutamine.
Molecular consequence: missense variant.
Genome position (GRCh38, 1-based): chr13:32,341,025, G>C. VCF-style: chr13-32341025-G-C. GRCh37 (hg19) VCF-style: chr13-32915162-G-C.
Other names: c.6670G>C, p.Glu2224Gln (NM_001406719.1, NM_001406720.1); short protein forms E2224Q.
Identifiers: ClinVar variation 1754803 (VCV001754803.6), dbSNP rs2137529623, ClinGen allele CA387790517.